The following is an entry in ClinVar:

NM_000038.6(APC):c.8052C>T (p.Asp2684=)

Gene: APC (APC regulator of Wnt signaling pathway; plus strand). Cytogenetic location: 5q22.2.
Variant type: single nucleotide variant.
Coding change: c.8052C>T on transcript NM_000038.6 (MANE Select); coding-DNA position 8052, C replaced by T.
Protein change: p.Asp2684=; no amino-acid change (aspartic acid 2684 retained).
Molecular consequence: synonymous variant.
Genome position (GRCh38, 1-based): chr5:112,843,646, C>T. VCF-style: chr5-112843646-C-T. GRCh37 (hg19) VCF-style: chr5-112179343-C-T.
Other names: c.8052C>T, p.Asp2684= (NM_001127510.3, NM_001354895.2); c.7998C>T, p.Asp2666= (NM_001127511.3); c.8106C>T, p.Asp2702= (NM_001354896.2); c.8082C>T, p.Asp2694= (NM_001354897.2); c.7977C>T, p.Asp2659= (NM_001354898.2); c.7968C>T, p.Asp2656= (NM_001354899.2); c.7929C>T, p.Asp2643= (NM_001354900.2); c.7875C>T, p.Asp2625= (NM_001354901.2); and 5 more.
Identifiers: ClinVar variation 1577354 (VCV001577354.11), dbSNP rs1260063954, ClinGen allele CA446211043.
Genomic context (GRCh38, chr5:112,843,646, plus strand): 5'-TCCCATTAACAATCCTAGATCTGGAAGATCTCCCACAGGTAATACTCCCCCGGTGATTGA[C>T]AGTGTTTCAGAAAAGGCAAATCCAAACATTAAAGATTCAAAAGATAATCAGGCAAAACAA-3'
Protein context (NP_000029.2, residues 2674-2694): SPTGNTPPVI[Asp2684=]SVSEKANPNI

ClinVar aggregate classification (germline): Benign/Likely benign. Review status: criteria provided, multiple submitters, no conflicts (2 of 4 stars). 3 submissions from 3 submitters: Benign (1); Likely benign (2). Last evaluated 2024-12-21.

Conditions:
Hereditary cancer-predisposing syndrome. Also called: Hereditary Cancer Syndrome; Tumor predisposition; Neoplastic Syndromes, Hereditary; Hereditary neoplastic syndrome. Identifiers: Orphanet 140162, MedGen C0027672, MeSH D009386, MONDO:0015356.
Familial adenomatous polyposis 1 (FAP1). Also called: FAMILIAL ADENOMATOUS POLYPOSIS 1, ATTENUATED; POLYPOSIS, ADENOMATOUS INTESTINAL. Identifiers: MedGen C2713442, MONDO:0021056, OMIM 175100. Disease mechanism: loss of function.

Allele frequency attached by ClinVar (database versions not stated): gnomAD exomes below 0.00001.
gnomAD v4.1: 2 of 1,613,756 alleles (0.00012%); highest among the groups gnomAD compares: Admixed American, 0.0017%; no homozygotes.

Submissions (3):

Labcorp Genetics (formerly Invitae), Labcorp
Classification: Likely benign for Familial adenomatous polyposis 1. Last evaluated: 2024-12-21. Review status: criteria provided, single submitter. Criteria: Invitae Variant Classification Sherloc (09022015). Collection method: clinical testing. Allele origin: germline.

Myriad Genetics, Inc.
Classification: Benign for Familial adenomatous polyposis 1. Last evaluated: 2024-04-12. Review status: criteria provided, single submitter. Criteria: Myriad Autosomal Dominant, Autosomal Recessive and X-Linked Classification Criteria (2023). Collection method: clinical testing. Allele origin: unknown.
Comment: This variant is considered benign. This variant is a silent/synonymous amino acid change and it is not expected to impact splicing.

Ambry Genetics
Classification: Likely benign for Hereditary cancer-predisposing syndrome. Last evaluated: 2020-09-14. Review status: criteria provided, single submitter. Criteria: Ambry Variant Classification Scheme 2023. Collection method: clinical testing. Allele origin: germline.